The following is an entry in ClinVar:

ClinVar aggregate classification (germline): Benign (1 of 4 stars; one submission).

Allele frequency attached by ClinVar (database versions not stated): 1000 Genomes Project 0.08606; TOPMed 0.08668; 1000 Genomes Project 30x 0.09432.
gnomAD v4.1: 11,253 of 151,880 alleles (7.4%); highest among the groups gnomAD compares: African/African-American, 26%; 1,362 homozygotes.

Submission:

GeneDx
Classification: Benign. Last evaluated: 2018-06-16. Review status: criteria provided, single submitter. Criteria: GeneDx Variant Classification (06012015). Collection method: clinical testing. Allele origin: germline. Affected: yes.
Comment: This variant is considered likely benign or benign based on one or more of the following criteria: it is a conservative change, it occurs at a poorly conserved position in the protein, it is predicted to be benign by multiple in silico algorithms, and/or has population frequency not consistent with disease.

NM_203447.4(DOCK8):c.1423-293C>G

Gene: DOCK8 (dedicator of cytokinesis 8; plus strand). Cytogenetic location: 9p24.3.
Variant type: single nucleotide variant.
Coding change: c.1423-293C>G on transcript NM_203447.4 (MANE Select); 293 bases into the intron before coding-DNA position 1423, C replaced by G.
Molecular consequence: intron variant.
Genome position (GRCh38, 1-based): chr9:338,713, C>G. VCF-style: chr9-338713-C-G. GRCh37 (hg19) VCF-style: chr9-338713-C-G.
Other names: c.1219-293C>G (NM_001193536.2, NM_001190458.2).
Identifiers: ClinVar variation 669670 (VCV000669670.1), dbSNP rs73639057, ClinGen allele CA187763324.